The following is an entry in ClinVar:

NM_005085.4(NUP214):c.4828G>T (p.Glu1610Ter)

Gene: NUP214 (nucleoporin 214; plus strand). Cytogenetic location: 9q34.13.
Variant type: single nucleotide variant.
Coding change: c.4828G>T on transcript NM_005085.4 (MANE Select); coding-DNA position 4828, G replaced by T.
Protein change: p.Glu1610Ter; replaces glutamic acid 1610 with a stop codon.
Molecular consequence: nonsense.
Genome position (GRCh38, 1-based): chr9:131,198,322, G>T. VCF-style: chr9-131198322-G-T. GRCh37 (hg19) VCF-style: chr9-134073709-G-T.
Other names: c.4798G>T, p.Glu1600Ter (NM_001318324.2); c.1306G>T, p.Glu436Ter (NM_001318325.2); short protein forms E1600*, E1610*, E436*.
Identifiers: ClinVar variation 2504015 (VCV002504015.1), dbSNP rs143224806, ClinGen allele CA375281135.

ClinVar aggregate classification (germline): Likely pathogenic (1 of 4 stars; one submission).

Conditions:
NUP214-related disorder. Also called: NUP214-related disorders; NUP214-related condition.

gnomAD v4.1: 1 of 1,614,182 alleles (0.000062%); highest among the groups gnomAD compares: Admixed American, 0.0017%; no homozygotes.

Submission:

Women's Health and Genetics/Laboratory Corporation of America, LabCorp
Classification: Likely pathogenic for NUP214-Related Disorders. Last evaluated: 2023-04-14. Review status: criteria provided, single submitter. Criteria: LabCorp Variant Classification Summary - May 2015. Collection method: clinical testing. Allele origin: germline.
Comment: Variant summary: NUP214 c.4828G>T (p.Glu1610X) results in a premature termination codon, predicted to cause a truncation of the encoded protein or absence of the protein due to nonsense mediated decay. The variant allele was found at a frequency of 4e-06 in 251320 control chromosomes (gnomAD). To our knowledge, no occurrence of c.4828G>T in individuals affected with NUP14 Related Disorders and no experimental evidence demonstrating its impact on protein function have been reported. No clinical diagnostic laboratories have submitted clinical-significance assessments for this variant to ClinVar after 2014. Based on the evidence outlined above, the variant was classified as likely pathogenic.